The following is an entry in ClinVar:

ClinVar aggregate classification (germline): Uncertain significance (1 of 4 stars; one submission).

Submission:

GeneDx
Classification: Uncertain significance. Last evaluated: 2026-04-14. Review status: criteria provided, single submitter. Criteria: GeneDx Variant Classification Process June 2021. Collection method: clinical testing. Allele origin: germline.
Comment: Has not been previously published as pathogenic or benign to our knowledge; Not observed at significant frequency in large population cohorts (gnomAD); In silico analysis suggests that this missense variant does not alter protein structure/function; In silico analysis suggests this variant may impact gene splicing. In the absence of RNA/functional studies, the actual effect of this sequence change is unknown.

NM_015322.5(FEM1B):c.1134C>G (p.Asn378Lys)

Gene: FEM1B (fem-1 homolog B; plus strand). Cytogenetic location: 15q23.
Variant type: single nucleotide variant.
Coding change: c.1134C>G on transcript NM_015322.5 (MANE Select); coding-DNA position 1134, C replaced by G.
Protein change: p.Asn378Lys; replaces asparagine 378 with lysine.
Molecular consequence: missense variant.
Genome position (GRCh38, 1-based): chr15:68,290,492, C>G. VCF-style: chr15-68290492-C-G. GRCh37 (hg19) VCF-style: chr15-68582830-C-G.
Other names: short protein forms N378K.
Identifiers: ClinVar variation 5037232 (VCV005037232.1).
Genomic context (GRCh38, chr15:68,290,492, plus strand): 5'-GGAATTTGAGCAGTGTATCAAGTTGTGGCTTCATGCCCTGCACCTCAGACAAAAAGGTAA[C>G]AGGAACACCCACAAGGATCTTCTTCGATTTGCTCAAGTTTTCTCACAAATGATACATTTG-3'
Protein context (NP_056137.1, residues 368-388): LHALHLRQKG[Asn378Lys]RNTHKDLLRF